The following is an entry in ClinVar:

NM_003024.3(ITSN1):c.3256A>G (p.Thr1086Ala)

Gene: ITSN1 (intersectin 1; plus strand). Cytogenetic location: 21q22.11.
Variant type: single nucleotide variant.
Coding change: c.3256A>G on transcript NM_003024.3 (MANE Select); coding-DNA position 3256, A replaced by G.
Protein change: p.Thr1086Ala; replaces threonine 1086 with alanine.
Molecular consequence: missense variant.
Genome position (GRCh38, 1-based): chr21:33,829,650, A>G. VCF-style: chr21-33829650-A-G. GRCh37 (hg19) VCF-style: chr21-35201954-A-G.
Other names: c.3256A>G, p.Thr1086Ala (NM_001001132.2); c.3043A>G, p.Thr1015Ala (NM_001331008.2); c.3241A>G, p.Thr1081Ala (NM_001331009.2, NM_001331010.2); c.3028A>G, p.Thr1010Ala (NM_001331011.2); c.3130A>G, p.Thr1044Ala (NM_001331012.2); short protein forms T1010A, T1015A, T1044A, T1081A, T1086A.
Identifiers: ClinVar variation 2572738 (VCV002572738.1), dbSNP rs936698706, ClinGen allele CA320206126.

ClinVar aggregate classification (germline): Uncertain significance (1 of 4 stars; one submission).

Allele frequency attached by ClinVar (database versions not stated): gnomAD exomes below 0.00001; TOPMed 0.00001.
gnomAD v4.1: 7 of 1,612,074 alleles (0.00043%); highest among the groups gnomAD compares: Non-Finnish European, 0.00051%; no homozygotes.

Submission:

GeneDx
Classification: Uncertain significance. Last evaluated: 2023-01-12. Review status: criteria provided, single submitter. Criteria: GeneDx Variant Classification Process June 2021. Collection method: clinical testing. Allele origin: germline. Affected: yes.
Comment: Not observed at significant frequency in large population cohorts (gnomAD); In silico analysis supports that this missense variant does not alter protein structure/function; Has not been previously published as pathogenic or benign to our knowledge